The following is an entry in ClinVar:

NM_001080397.3(SLC45A1):c.741G>A (p.Val247=)

Gene: SLC45A1 (solute carrier family 45 member 1; plus strand). Cytogenetic location: 1p36.23.
Variant type: single nucleotide variant.
Coding change: c.741G>A on transcript NM_001080397.3 (MANE Select); coding-DNA position 741, G replaced by A.
Protein change: p.Val247=; no amino-acid change (valine 247 retained).
Molecular consequence: synonymous variant.
Genome position (GRCh38, 1-based): chr1:8,330,234, G>A. VCF-style: chr1-8330234-G-A. GRCh37 (hg19) VCF-style: chr1-8390294-G-A.
Other names: c.741G>A, p.Val247= (NM_001379614.1); c.648G>A, p.Val216= (NM_001379615.1, NM_001379616.1); c.135G>A, p.Val45= (NM_001379617.1, NM_001379618.1).
Identifiers: ClinVar variation 3044154 (VCV003044154.2), dbSNP rs191155736, ClinGen allele CA570202.
Genomic context (GRCh38, chr1:8,330,234, plus strand): 5'-GCAGAAGGGAACTCAAACCCTGTCTCTTTCCCCAGGTCTCGGAGGAGGCTTTGGATACGT[G>A]GTCGGCGGAATCCACTGGGATAAAACGGGCTTCGGGAGGGCCCTGGGGGGACAGCTCCGA-3'
Protein context (NP_001073866.3, residues 237-257): LAGLGGGFGY[Val247=]VGGIHWDKTG

ClinVar aggregate classification (germline): Likely benign (0 of 4 stars; one submission).

Conditions:
SLC45A1-related disorder. Also called: SLC45A1-related condition.

Allele frequency attached by ClinVar (database versions not stated): ESP Exome Variant Server 0.00031; gnomAD 0.00055; TOPMed 0.00060; 1000 Genomes Project 30x 0.00062; 1000 Genomes Project 0.00080.
gnomAD v4.1: 151 of 1,613,858 alleles (0.0094%); highest among the groups gnomAD compares: African/African-American, 0.17%; no homozygotes.

Submission:

PreventionGenetics, part of Exact Sciences
Classification: Likely benign for SLC45A1-related condition. Last evaluated: 2019-05-31. Review status: no assertion criteria provided. Collection method: clinical testing. Allele origin: germline.
Comment: This variant is classified as likely benign based on ACMG/AMP sequence variant interpretation guidelines (Richards et al. 2015 PMID: 25741868, with internal and published modifications).